The following is an entry in ClinVar:

ClinVar aggregate classification (germline): Uncertain significance (1 of 4 stars; one submission).

Conditions:
Charcot-Marie-Tooth disease axonal type 2O. Also called: Charcot-Marie-Tooth disease, axonal, type 20; CHARCOT-MARIE-TOOTH NEUROPATHY, AXONAL, TYPE 2O; CHARCOT-MARIE-TOOTH DISEASE, AXONAL, AUTOSOMAL DOMINANT, TYPE 2O; Charcot-Marie-Tooth Neuropathy Type 2O. Identifiers: Orphanet 284232, MedGen C3280220, MONDO:0013644, OMIM 614228.

Submission:

Labcorp Genetics (formerly Invitae), Labcorp
Classification: Uncertain significance for Charcot-Marie-Tooth disease axonal type 2O. Last evaluated: 2023-08-07. Review status: criteria provided, single submitter. Criteria: Invitae Variant Classification Sherloc (09022015). Collection method: clinical testing. Allele origin: germline.
Comment: In summary, the available evidence is currently insufficient to determine the role of this variant in disease. Therefore, it has been classified as a Variant of Uncertain Significance. Advanced modeling of protein sequence and biophysical properties (such as structural, functional, and spatial information, amino acid conservation, physicochemical variation, residue mobility, and thermodynamic stability) performed at Invitae indicates that this missense variant is not expected to disrupt DYNC1H1 protein function. This variant has not been reported in the literature in individuals affected with DYNC1H1-related conditions. This variant is not present in population databases (gnomAD no frequency). This sequence change replaces glutamic acid, which is acidic and polar, with glutamine, which is neutral and polar, at codon 2181 of the DYNC1H1 protein (p.Glu2181Gln).

NM_001376.5(DYNC1H1):c.6541G>C (p.Glu2181Gln)

Gene: DYNC1H1 (dynein cytoplasmic 1 heavy chain 1; plus strand). Cytogenetic location: 14q32.31.
Variant type: single nucleotide variant.
Coding change: c.6541G>C on transcript NM_001376.5 (MANE Select); coding-DNA position 6541, G replaced by C.
Protein change: p.Glu2181Gln; replaces glutamic acid 2181 with glutamine.
Molecular consequence: missense variant.
Genome position (GRCh38, 1-based): chr14:102,010,875, G>C. VCF-style: chr14-102010875-G-C. GRCh37 (hg19) VCF-style: chr14-102477212-G-C.
Other names: short protein forms E2181Q.
Identifiers: ClinVar variation 2750937 (VCV002750937.3), dbSNP rs2503753788, ClinGen allele CA391055876.